The following is an entry in ClinVar:

NM_001015880.2(PAPSS2):c.381+24_381+25insAAAAAAAAAAAAAAAAAAAAAAAAAAAAA

Gene: PAPSS2 (3'-phosphoadenosine 5'-phosphosulfate synthase 2; plus strand). Cytogenetic location: 10q23.31.
Variant type: Insertion.
Coding change: c.381+24_381+25insAAAAAAAAAAAAAAAAAAAAAAAAAAAAA on transcript NM_001015880.2 (MANE Select); bases 24 to 25 of the intron after coding-DNA position 381, AAAAAAAAAAAAAAAAAAAAAAAAAAAAA inserted.
Molecular consequence: intron variant.
Genome position: GRCh38 VCF-style: chr10-87713312-T-TAAAAAAAAAAAAAAAAAAAAAAAAAAAAA. GRCh37 (hg19) VCF-style: chr10-89473069-T-TAAAAAAAAAAAAAAAAAAAAAAAAAAAAA.
Other names: c.381+24_381+25insAAAAAAAAAAAAAAAAAAAAAAAAAAAAA (NM_004670.4).
Identifiers: ClinVar variation 4821939 (VCV004821939.4).

ClinVar aggregate classification (germline): Likely benign (1 of 4 stars; one submission).

Submission:

CeGaT Center for Human Genetics Tuebingen
Classification: Likely benign. Last evaluated: 2026-01-01. Review status: criteria provided, single submitter. Criteria: CeGaT Center For Human Genetics Tuebingen Variant Classification Criteria Version 2. Collection method: clinical testing. Allele origin: germline. Affected: yes. Observed: 1 variant allele.
Comment: PAPSS2: BS2